The following is an entry in ClinVar:

ClinVar aggregate classification (germline): Uncertain significance (1 of 4 stars; one submission).

Submission:

GeneDx
Classification: Uncertain significance. Last evaluated: 2025-05-09. Review status: criteria provided, single submitter. Criteria: GeneDx Variant Classification Process June 2021. Collection method: clinical testing. Allele origin: germline. Affected: yes.
Comment: Not observed at significant frequency in large population cohorts (gnomAD); In silico analysis suggests that this missense variant does not alter protein structure/function; Has not been previously published as pathogenic or benign to our knowledge

NM_004958.4(MTOR):c.5302A>G (p.Thr1768Ala)

Gene: MTOR (mechanistic target of rapamycin kinase; minus strand). Cytogenetic location: 1p36.22.
Variant type: single nucleotide variant.
Coding change: c.5302A>G on transcript NM_004958.4 (MANE Select); coding-DNA position 5302, A replaced by G.
Protein change: p.Thr1768Ala; replaces threonine 1768 with alanine.
Molecular consequence: missense variant.
Genome position (GRCh38, 1-based): chr1:11,133,142, T>C on the plus strand (A>G on the coding strand, the complement: MTOR is on the minus strand). VCF-style: chr1-11133142-T-C. GRCh37 (hg19) VCF-style: chr1-11193199-T-C.
Other names: c.5302A>G, p.Thr1768Ala (NM_001386500.1); c.4054A>G, p.Thr1352Ala (NM_001386501.1); short protein forms T1352A, T1768A.
Identifiers: ClinVar variation 4528211 (VCV004528211.1).